The following is an entry in ClinVar:

ClinVar aggregate classification (germline): Benign/Likely benign. Review status: criteria provided, multiple submitters, no conflicts (2 of 4 stars). 5 submissions from 5 submitters: Benign (1); Likely benign (3). 1 of the submissions does not count toward it. Last evaluated 2026-04-27.

Conditions:
Colorectal cancer, susceptibility to, 1. Also called: COLORECTAL ADENOMA AND CANCER, SUSCEPTIBILITY TO; COLORECTAL CANCER, SUSCEPTIBILITY TO, ON CHROMOSOME 9. Identifiers: MedGen C1837315, MONDO:0012132, OMIM 608812.
GALNT12-related disorder. Also called: GALNT12-related condition.

Allele frequency attached by ClinVar (database versions not stated): gnomAD exomes 0.00004 and 0.00008; TOPMed 0.00006; ESP Exome Variant Server 0.00008; ExAC 0.00006; gnomAD 0.00008 and 0.00007.
gnomAD v4.1: 71 of 1,614,046 alleles (0.0044%); highest among the groups gnomAD compares: African/African-American, 0.0093%; no homozygotes.

Submissions (5):

Myriad Genetics, Inc.
Classification: Benign for Colorectal cancer, susceptibility to, 1. Last evaluated: 2026-04-27. Review status: criteria provided, single submitter. Criteria: Myriad Autosomal Dominant, Autosomal Recessive and X-Linked Classification Criteria (2023). Collection method: clinical testing. Allele origin: unknown.
Comment: This variant is considered benign. This variant is a silent/synonymous amino acid change and it is not expected to impact splicing.

Quest Diagnostics Nichols Institute San Juan Capistrano
Classification: Likely benign. Last evaluated: 2025-02-20. Review status: criteria provided, single submitter. Criteria: Quest Diagnostics criteria. Collection method: clinical testing. Allele origin: unknown.

Labcorp Genetics (formerly Invitae), Labcorp
Classification: Likely benign. Last evaluated: 2024-12-20. Review status: criteria provided, single submitter. Criteria: Invitae Variant Classification Sherloc (09022015). Collection method: clinical testing. Allele origin: germline.

Ambry Genetics
Classification: Likely benign. Last evaluated: 2019-04-25. Review status: criteria provided, single submitter. Criteria: Ambry Variant Classification Scheme 2023. Collection method: clinical testing. Allele origin: germline.

PreventionGenetics, part of Exact Sciences
Classification: Likely benign for GALNT12-related condition. Last evaluated: 2019-06-24. Review status: no assertion criteria provided. Collection method: clinical testing. Allele origin: germline. Not counted in ClinVar's aggregate classification.
Comment: This variant is classified as likely benign based on ACMG/AMP sequence variant interpretation guidelines (Richards et al. 2015 PMID: 25741868, with internal and published modifications).

NM_024642.5(GALNT12):c.1563C>T (p.Cys521=)

Gene: GALNT12 (polypeptide N-acetylgalactosaminyltransferase 12; plus strand). Cytogenetic location: 9q22.33.
Variant type: single nucleotide variant.
Coding change: c.1563C>T on transcript NM_024642.5 (MANE Select); coding-DNA position 1563, C replaced by T.
Protein change: p.Cys521=; no amino-acid change (cysteine 521 retained).
Molecular consequence: synonymous variant.
Genome position (GRCh38, 1-based): chr9:98,846,081, C>T. VCF-style: chr9-98846081-C-T. GRCh37 (hg19) VCF-style: chr9-101608363-C-T.
Identifiers: ClinVar variation 698934 (VCV000698934.18), dbSNP rs143860974, ClinGen allele CA5154314.